The following is an entry in ClinVar:

ClinVar aggregate classification (germline): Uncertain significance (1 of 4 stars; one submission).

Conditions:
Idiopathic generalized epilepsy. Also called: Generalised epilepsy; EIG. Identifiers: MedGen C0270850, MONDO:0005579, OMIM 600669.

Submission:

Labcorp Genetics (formerly Invitae), Labcorp
Classification: Uncertain significance for Idiopathic generalized epilepsy. Last evaluated: 2020-04-20. Review status: criteria provided, single submitter. Criteria: Invitae Variant Classification Sherloc (09022015). Collection method: clinical testing. Allele origin: germline.
Comment: This variant has not been reported in the literature in individuals with GABRD-related conditions. In summary, the available evidence is currently insufficient to determine the role of this variant in disease. Therefore, it has been classified as a Variant of Uncertain Significance. Algorithms developed to predict the effect of missense changes on protein structure and function (SIFT, PolyPhen-2, Align-GVGD) all suggest that this variant is likely to be disruptive, but these predictions have not been confirmed by published functional studies and their clinical significance is uncertain. This variant is not present in population databases (ExAC no frequency). This sequence change replaces serine with phenylalanine at codon 160 of the GABRD protein (p.Ser160Phe). The serine residue is highly conserved and there is a large physicochemical difference between serine and phenylalanine.

NM_000815.5(GABRD):c.479C>T (p.Ser160Phe)

Gene: GABRD (gamma-aminobutyric acid type A receptor subunit delta; plus strand). Cytogenetic location: 1p36.33.
Variant type: single nucleotide variant.
Coding change: c.479C>T on transcript NM_000815.5 (MANE Select); coding-DNA position 479, C replaced by T.
Protein change: p.Ser160Phe; replaces serine 160 with phenylalanine.
Molecular consequence: missense variant.
Genome position (GRCh38, 1-based): chr1:2,027,585, C>T. VCF-style: chr1-2027585-C-T. GRCh37 (hg19) VCF-style: chr1-1959024-C-T.
Other names: short protein forms S160F.
Identifiers: ClinVar variation 1062096 (VCV001062096.9), dbSNP rs2102150266, ClinGen allele CA337958011.